The following is an entry in ClinVar:

NM_000350.3(ABCA4):c.1855A>T (p.Ile619Phe)

Gene: ABCA4 (ATP binding cassette subfamily A member 4; minus strand). Cytogenetic location: 1p22.1.
Variant type: single nucleotide variant.
Coding change: c.1855A>T on transcript NM_000350.3 (MANE Select); coding-DNA position 1855, A replaced by T.
Protein change: p.Ile619Phe; replaces isoleucine 619 with phenylalanine.
Molecular consequence: missense variant.
Genome position (GRCh38, 1-based): chr1:94,062,659, T>A on the plus strand (A>T on the coding strand, the complement: ABCA4 is on the minus strand). VCF-style: chr1-94062659-T-A. GRCh37 (hg19) VCF-style: chr1-94528215-T-A.
Other names: c.1855A>T, p.Ile619Phe (NM_001425324.1); short protein forms I619F.
Identifiers: ClinVar variation 1485732 (VCV001485732.6), dbSNP rs1231688819, ClinGen allele CA341279443.

ClinVar aggregate classification (germline): Uncertain significance (1 of 4 stars; one submission).

gnomAD v4.1: 2 of 1,614,108 alleles (0.00012%); highest among the groups gnomAD compares: South Asian, 0.0022%; no homozygotes.

Submission:

Labcorp Genetics (formerly Invitae), Labcorp
Classification: Uncertain significance. Last evaluated: 2021-10-31. Review status: criteria provided, single submitter. Criteria: Invitae Variant Classification Sherloc (09022015). Collection method: clinical testing. Allele origin: germline.
Comment: In summary, the available evidence is currently insufficient to determine the role of this variant in disease. Therefore, it has been classified as a Variant of Uncertain Significance. Advanced modeling of protein sequence and biophysical properties (such as structural, functional, and spatial information, amino acid conservation, physicochemical variation, residue mobility, and thermodynamic stability) performed at Invitae indicates that this missense variant is expected to disrupt ABCA4 protein function. This variant has not been reported in the literature in individuals affected with ABCA4-related conditions. This variant is present in population databases (no rsID available, gnomAD 0.003%). This sequence change replaces isoleucine, which is neutral and non-polar, with phenylalanine, which is neutral and non-polar, at codon 619 of the ABCA4 protein (p.Ile619Phe).